The following is an entry in ClinVar:

ClinVar aggregate classification (germline): Conflicting classifications of pathogenicity. Review status: criteria provided, conflicting classifications (1 of 4 stars). 3 submissions from 3 submitters: Uncertain significance (2); Likely benign (1). Last evaluated 2026-02-23.

Conditions:
DRC1-related disorder. Also called: DRC1-related condition.
Inborn genetic diseases. Identifiers: MedGen C0950123, MeSH D030342.
Primary ciliary dyskinesia. Also called: Ciliary dyskinesia. Identifiers: Orphanet 244, MedGen C0008780, MONDO:0016575, HP:0012265.

Allele frequency attached by ClinVar (database versions not stated): 1000 Genomes Project 30x 0.00016; 1000 Genomes Project 0.00020; ExAC 0.00044; ESP Exome Variant Server 0.00069; gnomAD 0.00077 and 0.00078; TOPMed 0.00077.
gnomAD v4.1: 1,181 of 1,613,814 alleles (0.073%); highest among the groups gnomAD compares: Admixed American, 0.17%; 2 homozygotes.

Submissions (3):

PreventionGenetics, part of Exact Sciences
Classification: Likely benign for DRC1-related condition. Last evaluated: 2026-02-23. Review status: criteria provided, single submitter. Criteria: ACMG Guidelines, 2015. Collection method: clinical testing. Allele origin: germline.
Comment: This variant is classified as likely benign based on ACMG/AMP sequence variant interpretation guidelines (Richards et al. 2015 PMID: 25741868, with internal and published modifications).

Labcorp Genetics (formerly Invitae), Labcorp
Classification: Uncertain significance for Primary ciliary dyskinesia. Last evaluated: 2022-10-13. Review status: criteria provided, single submitter. Criteria: Invitae Variant Classification Sherloc (09022015). Collection method: clinical testing. Allele origin: germline.
Comment: This sequence change replaces serine, which is neutral and polar, with threonine, which is neutral and polar, at codon 584 of the DRC1 protein (p.Ser584Thr). This variant is present in population databases (rs147712523, gnomAD 0.1%), and has an allele count higher than expected for a pathogenic variant. This variant has not been reported in the literature in individuals affected with DRC1-related conditions. ClinVar contains an entry for this variant (Variation ID: 454983). Algorithms developed to predict the effect of missense changes on protein structure and function (SIFT, PolyPhen-2, Align-GVGD) all suggest that this variant is likely to be tolerated. Algorithms developed to predict the effect of sequence changes on RNA splicing suggest that this variant may disrupt the consensus splice site. In summary, the available evidence is currently insufficient to determine the role of this variant in disease. Therefore, it has been classified as a Variant of Uncertain Significance.

Ambry Genetics
Classification: Uncertain significance for Inborn genetic diseases. Last evaluated: 2021-06-21. Review status: criteria provided, single submitter. Criteria: Ambry Variant Classification Scheme 2023. Collection method: clinical testing. Allele origin: germline.

NM_145038.5(DRC1):c.1750T>A (p.Ser584Thr)

Gene: DRC1 (dynein regulatory complex subunit 1; plus strand). Cytogenetic location: 2p23.3.
Variant type: single nucleotide variant.
Coding change: c.1750T>A on transcript NM_145038.5 (MANE Select); coding-DNA position 1750, T replaced by A.
Protein change: p.Ser584Thr; replaces serine 584 with threonine.
Molecular consequence: missense variant.
Genome position (GRCh38, 1-based): chr2:26,453,380, T>A. VCF-style: chr2-26453380-T-A. GRCh37 (hg19) VCF-style: chr2-26676248-T-A.
Other names: c.1750T>A (NM_145038.2, NM_145038.4); short protein forms S584T.
Identifiers: ClinVar variation 454983 (VCV000454983.9), dbSNP rs147712523, ClinGen allele CA1562396.